The following is an entry in ClinVar:

NM_001080449.3(DNA2):c.2167A>G (p.Ile723Val)

Gene: DNA2 (DNA replication helicase/nuclease 2; minus strand). Cytogenetic location: 10q21.3.
Variant type: single nucleotide variant.
Coding change: c.2167A>G on transcript NM_001080449.3 (MANE Select); coding-DNA position 2167, A replaced by G.
Protein change: p.Ile723Val; replaces isoleucine 723 with valine.
Molecular consequence: missense variant. On other transcripts: non-coding transcript variant (1).
Genome position (GRCh38, 1-based): chr10:68,430,477, T>C on the plus strand (A>G on the coding strand, the complement: DNA2 is on the minus strand). VCF-style: chr10-68430477-T-C. GRCh37 (hg19) VCF-style: chr10-70190234-T-C.
Other names: short protein forms I723V.
Identifiers: ClinVar variation 2958435 (VCV002958435.3), dbSNP rs903318284, ClinGen allele CA208199177.

ClinVar aggregate classification (germline): Uncertain significance (1 of 4 stars; one submission).

Allele frequency attached by ClinVar (database versions not stated): gnomAD exomes below 0.00001; TOPMed 0.00001.
gnomAD v4.1: 7 of 1,610,934 alleles (0.00043%); highest among the groups gnomAD compares: South Asian, 0.0011%; no homozygotes.

Submission:

Labcorp Genetics (formerly Invitae), Labcorp
Classification: Uncertain significance. Last evaluated: 2024-03-10. Review status: criteria provided, single submitter. Criteria: Invitae Variant Classification Sherloc (09022015). Collection method: clinical testing. Allele origin: germline.
Comment: This sequence change replaces isoleucine, which is neutral and non-polar, with valine, which is neutral and non-polar, at codon 723 of the DNA2 protein (p.Ile723Val). This variant is not present in population databases (gnomAD no frequency). This variant has not been reported in the literature in individuals affected with DNA2-related conditions. Advanced modeling of protein sequence and biophysical properties (such as structural, functional, and spatial information, amino acid conservation, physicochemical variation, residue mobility, and thermodynamic stability) performed at Invitae indicates that this missense variant is not expected to disrupt DNA2 protein function with a negative predictive value of 80%. In summary, the available evidence is currently insufficient to determine the role of this variant in disease. Therefore, it has been classified as a Variant of Uncertain Significance.